The following is an entry in ClinVar:

ClinVar aggregate classification (germline): Uncertain significance (1 of 4 stars; one submission).

Submission:

Labcorp Genetics (formerly Invitae), Labcorp
Classification: Uncertain significance. Last evaluated: 2021-08-18. Review status: criteria provided, single submitter. Criteria: Invitae Variant Classification Sherloc (09022015). Collection method: clinical testing. Allele origin: germline.
Comment: In summary, the available evidence is currently insufficient to determine the role of this variant in disease. Therefore, it has been classified as a Variant of Uncertain Significance. Algorithms developed to predict the effect of missense changes on protein structure and function (SIFT, PolyPhen-2, Align-GVGD) all suggest that this variant is likely to be tolerated. This variant has not been reported in the literature in individuals affected with AHR-related conditions. This variant is not present in population databases (ExAC no frequency). This sequence change replaces asparagine with aspartic acid at codon 95 of the AHR protein (p.Asn95Asp). The asparagine residue is moderately conserved and there is a small physicochemical difference between asparagine and aspartic acid.

NM_001621.5(AHR):c.283A>G (p.Asn95Asp)

Gene: AHR (aryl hydrocarbon receptor; plus strand). Cytogenetic location: 7p21.1.
Variant type: single nucleotide variant.
Coding change: c.283A>G on transcript NM_001621.5 (MANE Select); coding-DNA position 283, A replaced by G.
Protein change: p.Asn95Asp; replaces asparagine 95 with aspartic acid.
Molecular consequence: missense variant.
Genome position (GRCh38, 1-based): chr7:17,322,530, A>G. VCF-style: chr7-17322530-A-G. GRCh37 (hg19) VCF-style: chr7-17362154-A-G.
Other names: short protein forms N95D.
Identifiers: ClinVar variation 1375833 (VCV001375833.5), dbSNP rs2115359440, ClinGen allele CA366890026.